The following is an entry in ClinVar:

ClinVar aggregate classification (germline): Uncertain significance (1 of 4 stars; one submission).

gnomAD v4.1: 1 of 1,613,728 alleles (0.000062%); highest among the groups gnomAD compares: East Asian, 0.0022%; no homozygotes.

Submission:

Labcorp Genetics (formerly Invitae), Labcorp
Classification: Uncertain significance. Last evaluated: 2022-06-29. Review status: criteria provided, single submitter. Criteria: Invitae Variant Classification Sherloc (09022015). Collection method: clinical testing. Allele origin: germline.
Comment: This sequence change replaces proline, which is neutral and non-polar, with glutamine, which is neutral and polar, at codon 3586 of the PCLO protein (p.Pro3586Gln). This variant is present in population databases (no rsID available, gnomAD 0.006%). This variant has not been reported in the literature in individuals affected with PCLO-related conditions. Algorithms developed to predict the effect of missense changes on protein structure and function are either unavailable or do not agree on the potential impact of this missense change (SIFT: "Deleterious"; PolyPhen-2: "Not Available"; Align-GVGD: "Class C0"). In summary, the available evidence is currently insufficient to determine the role of this variant in disease. Therefore, it has been classified as a Variant of Uncertain Significance.

NM_033026.6(PCLO):c.10757C>A (p.Pro3586Gln)

Gene: PCLO (piccolo presynaptic cytomatrix protein; minus strand). Cytogenetic location: 7q21.11.
Variant type: single nucleotide variant.
Coding change: c.10757C>A on transcript NM_033026.6 (MANE Select); coding-DNA position 10757, C replaced by A.
Protein change: p.Pro3586Gln; replaces proline 3586 with glutamine.
Molecular consequence: missense variant.
Genome position (GRCh38, 1-based): chr7:82,949,831, G>T on the plus strand (C>A on the coding strand, the complement: PCLO is on the minus strand). VCF-style: chr7-82949831-G-T. GRCh37 (hg19) VCF-style: chr7-82579147-G-T.
Other names: c.10757C>A, p.Pro3586Gln (NM_014510.3); short protein forms P3586Q.
Identifiers: ClinVar variation 2114895 (VCV002114895.1), dbSNP rs1301233335, ClinGen allele CA367902289.